The following is an entry in ClinVar:

ClinVar aggregate classification (germline): Uncertain significance. Review status: criteria provided, multiple submitters, no conflicts (2 of 4 stars). 2 submissions from 2 submitters: Uncertain significance (2). Last evaluated 2024-08-28.

Conditions:
Inborn genetic diseases. Identifiers: MedGen C0950123, MeSH D030342.
Combined oxidative phosphorylation defect type 14. Also called: Combined oxidative phosphorylation deficiency 14. Identifiers: Orphanet 319519, MedGen C4755312, MONDO:0013986, OMIM 614946.

Allele frequency attached by ClinVar (database versions not stated): TOPMed 0.00002; ExAC 0.00003; gnomAD exomes 0.00003; gnomAD 0.00005; ESP Exome Variant Server 0.00008.

Submissions (2):

Labcorp Genetics (formerly Invitae), Labcorp
Classification: Uncertain significance for Combined oxidative phosphorylation defect type 14. Last evaluated: 2024-08-28. Review status: criteria provided, single submitter. Criteria: Invitae Variant Classification Sherloc (09022015). Collection method: clinical testing. Allele origin: germline.
Comment: This sequence change replaces arginine, which is basic and polar, with tryptophan, which is neutral and slightly polar, at codon 68 of the FARS2 protein (p.Arg68Trp). This variant is present in population databases (rs374531453, gnomAD 0.006%). This variant has not been reported in the literature in individuals affected with FARS2-related conditions. ClinVar contains an entry for this variant (Variation ID: 851799). Invitae Evidence Modeling of protein sequence and biophysical properties (such as structural, functional, and spatial information, amino acid conservation, physicochemical variation, residue mobility, and thermodynamic stability) has been performed for this missense variant. However, the output from this modeling did not meet the statistical confidence thresholds required to predict the impact of this variant on FARS2 protein function. In summary, the available evidence is currently insufficient to determine the role of this variant in disease. Therefore, it has been classified as a Variant of Uncertain Significance.

Ambry Genetics
Classification: Uncertain significance for Inborn genetic diseases. Last evaluated: 2024-08-27. Review status: criteria provided, single submitter. Criteria: Ambry Variant Classification Scheme 2023. Collection method: clinical testing. Allele origin: germline.

NM_006567.5(FARS2):c.202C>T (p.Arg68Trp)

Genes: FARS2 (phenylalanyl-tRNA synthetase 2, mitochondrial; plus strand), LOC126859565 (CDK7 strongly-dependent group 2 enhancer GRCh37_chr6:5368745-5369944; plus strand). Cytogenetic location: 6p25.1.
Variant type: single nucleotide variant.
Coding change: c.202C>T on transcript NM_006567.5 (MANE Select); coding-DNA position 202, C replaced by T.
Protein change: p.Arg68Trp; replaces arginine 68 with tryptophan.
Molecular consequence: missense variant. On other transcripts: intron variant (2).
Genome position (GRCh38, 1-based): chr6:5,368,772, C>T. VCF-style: chr6-5368772-C-T. GRCh37 (hg19) VCF-style: chr6-5369005-C-T.
Other names: c.202C>T, p.Arg68Trp (NM_001318872.2, NM_001374875.1, NM_001374876.1 and 5 more transcripts); c.-340-27861C>T (NM_001375260.1); c.-84-35770C>T (NM_001375259.1); short protein forms R68W.
Identifiers: ClinVar variation 851799 (VCV000851799.10), dbSNP rs374531453, ClinGen allele CA3623605.